The following is an entry in ClinVar:

ClinVar aggregate classification (germline): Uncertain significance. Review status: criteria provided, multiple submitters, no conflicts (2 of 4 stars). 2 submissions from 2 submitters: Uncertain significance (2). Last evaluated 2025-06-14.

Conditions:
Hereditary cancer-predisposing syndrome. Also called: Neoplastic Syndromes, Hereditary; Tumor predisposition; Hereditary Cancer Syndrome; Hereditary neoplastic syndrome. Identifiers: Orphanet 140162, MedGen C0027672, MeSH D009386, MONDO:0015356.
Tumor predisposition syndrome 3 (TPDS3). Also called: Glioma susceptibility 9; LONG TELOMERE SYNDROME, POT1-RELATED; POT1 Tumor Predisposition; Melanoma, cutaneous malignant, susceptibility to, 10. Identifiers: Orphanet 618, MedGen C4014476, MONDO:0014368, OMIM 615848.

Submissions (2):

Ambry Genetics
Classification: Uncertain significance for Hereditary cancer-predisposing syndrome. Last evaluated: 2025-06-14. Review status: criteria provided, single submitter. Criteria: Ambry Variant Classification Scheme 2023. Collection method: clinical testing. Allele origin: germline.
Comment: The p.L488I variant (also known as c.1462C>A), located in coding exon 11 of the POT1 gene, results from a C to A substitution at nucleotide position 1462. The leucine at codon 488 is replaced by isoleucine, an amino acid with highly similar properties. This amino acid position is conserved. In addition, this alteration is predicted to be tolerated by in silico analysis. Based on the available evidence, the clinical significance of this variant remains unclear.

Labcorp Genetics (formerly Invitae), Labcorp
Classification: Uncertain significance for Tumor predisposition syndrome 3. Last evaluated: 2024-04-29. Review status: criteria provided, single submitter. Criteria: Invitae Variant Classification Sherloc (09022015). Collection method: clinical testing. Allele origin: germline.
Comment: This sequence change replaces leucine, which is neutral and non-polar, with isoleucine, which is neutral and non-polar, at codon 488 of the POT1 protein (p.Leu488Ile). This variant is not present in population databases (gnomAD no frequency). This variant has not been reported in the literature in individuals affected with POT1-related conditions. Advanced modeling of protein sequence and biophysical properties (such as structural, functional, and spatial information, amino acid conservation, physicochemical variation, residue mobility, and thermodynamic stability) performed at Invitae indicates that this missense variant is not expected to disrupt POT1 protein function with a negative predictive value of 80%. In summary, the available evidence is currently insufficient to determine the role of this variant in disease. Therefore, it has been classified as a Variant of Uncertain Significance.

NM_015450.3(POT1):c.1462C>A (p.Leu488Ile)

Gene: POT1 (protection of telomeres 1; minus strand). Cytogenetic location: 7q31.33.
Variant type: single nucleotide variant.
Coding change: c.1462C>A on transcript NM_015450.3 (MANE Select); coding-DNA position 1462, C replaced by A.
Protein change: p.Leu488Ile; replaces leucine 488 with isoleucine.
Molecular consequence: missense variant. On other transcripts: non-coding transcript variant (3).
Genome position (GRCh38, 1-based): chr7:124,835,322, G>T on the plus strand (C>A on the coding strand, the complement: POT1 is on the minus strand). VCF-style: chr7-124835322-G-T. GRCh37 (hg19) VCF-style: chr7-124475376-G-T.
Other names: c.1069C>A, p.Leu357Ile (NM_001042594.2); c.1462C>A (NM_015450.2); short protein forms L488I, L357I.
Identifiers: ClinVar variation 3669806 (VCV003669806.3).